The following is an entry in ClinVar:

ClinVar aggregate classification (germline): Likely benign. Review status: criteria provided, multiple submitters, no conflicts (2 of 4 stars). 3 submissions from 3 submitters: Likely benign (3). Last evaluated 2024-09-11.

Conditions:
Developmental and epileptic encephalopathy, 27 (DEE27). Also called: GRIN2B-Related Neurodevelopmental Disorder; Epileptic encephalopathy, early infantile, 27. Identifiers: Orphanet 3451, MedGen C4015316, MONDO:0014505, OMIM 616139.
Intellectual developmental disorder, autosomal dominant 6, with or without seizures. Also called: GRIN2B-related developmental delay, intellectual disability and autism spectrum disorder; Intellectual disability, autosomal dominant 6. Identifiers: Orphanet 589547, MedGen C3151411, MONDO:0013509, OMIM 613970.

Allele frequency attached by ClinVar (database versions not stated): gnomAD 0.00001; ExAC 0.00001; gnomAD exomes below 0.00001 and 0.00002; TOPMed 0.00001.
gnomAD v4.1: 28 of 1,609,306 alleles (0.0017%); highest among the groups gnomAD compares: Non-Finnish European, 0.0022%; no homozygotes.

Submissions (3):

Blueprint Genetics
Classification: Likely benign. Last evaluated: 2024-09-11. Review status: criteria provided, single submitter. Criteria: ACMG Guidelines, 2015. Collection method: clinical testing. Allele origin: germline.

Labcorp Genetics (formerly Invitae), Labcorp
Classification: Likely benign for Developmental and epileptic encephalopathy, 27; Intellectual developmental disorder, autosomal dominant 6, with or without seizures. Last evaluated: 2024-02-17. Review status: criteria provided, single submitter. Criteria: Invitae Variant Classification Sherloc (09022015). Collection method: clinical testing. Allele origin: germline.

GeneDx
Classification: Likely benign. Last evaluated: 2017-10-19. Review status: criteria provided, single submitter. Criteria: GeneDx Variant Classification (06012015). Collection method: clinical testing. Allele origin: germline. Affected: yes.
Comment: This variant is considered likely benign or benign based on one or more of the following criteria: it is a conservative change, it occurs at a poorly conserved position in the protein, it is predicted to be benign by multiple in silico algorithms, and/or has population frequency not consistent with disease.

NM_000834.5(GRIN2B):c.1654+10G>A

Gene: GRIN2B (glutamate ionotropic receptor NMDA type subunit 2B; minus strand). Cytogenetic location: 12p13.1.
Variant type: single nucleotide variant.
Coding change: c.1654+10G>A on transcript NM_000834.5 (MANE Select); 10 bases into the intron after coding-DNA position 1654, G replaced by A.
Molecular consequence: intron variant.
Genome position (GRCh38, 1-based): chr12:13,615,104, C>T on the plus strand (G>A on the coding strand, the complement: GRIN2B is on the minus strand). VCF-style: chr12-13615104-C-T. GRCh37 (hg19) VCF-style: chr12-13768038-C-T.
Identifiers: ClinVar variation 512706 (VCV000512706.11), dbSNP rs201242368, ClinGen allele CA6461213.